The following is an entry in ClinVar:

ClinVar aggregate classification (germline): Uncertain significance (1 of 4 stars; one submission).

Conditions:
Severe combined immunodeficiency due to DNA-PKcs deficiency. Also called: IMMUNODEFICIENCY 26 WITH NEUROLOGIC ABNORMALITIES; Immunodeficiency 26 with or without neurologic abnormalities. Identifiers: Orphanet 317425, MedGen C4014833, MONDO:0014423, OMIM 615966.

Allele frequency attached by ClinVar (database versions not stated): ExAC 0.00001; TOPMed 0.00003; gnomAD 0.00005; ESP Exome Variant Server 0.00008.
gnomAD v4.1: 10 of 1,613,718 alleles (0.00062%); highest among the groups gnomAD compares: African/African-American, 0.013%; no homozygotes.

Submission:

Labcorp Genetics (formerly Invitae), Labcorp
Classification: Uncertain significance for Severe combined immunodeficiency due to DNA-PKcs deficiency. Last evaluated: 2022-05-28. Review status: criteria provided, single submitter. Criteria: Invitae Variant Classification Sherloc (09022015). Collection method: clinical testing. Allele origin: germline.
Comment: This sequence change replaces tryptophan, which is neutral and slightly polar, with leucine, which is neutral and non-polar, at codon 4038 of the PRKDC protein (p.Trp4038Leu). This variant is present in population databases (rs373421936, gnomAD 0.02%). This variant has not been reported in the literature in individuals affected with PRKDC-related conditions. Experimental studies and prediction algorithms are not available or were not evaluated, and the functional significance of this variant is currently unknown. In summary, the available evidence is currently insufficient to determine the role of this variant in disease. Therefore, it has been classified as a Variant of Uncertain Significance.

NM_006904.7(PRKDC):c.12113G>T (p.Trp4038Leu)

Gene: PRKDC (protein kinase, DNA-activated, catalytic subunit; minus strand). Cytogenetic location: 8q11.21.
Variant type: single nucleotide variant.
Coding change: c.12113G>T on transcript NM_006904.7 (MANE Select); coding-DNA position 12113, G replaced by T.
Protein change: p.Trp4038Leu; replaces tryptophan 4038 with leucine.
Molecular consequence: missense variant.
Genome position (GRCh38, 1-based): chr8:47,776,913, C>A on the plus strand (G>T on the coding strand, the complement: PRKDC is on the minus strand). VCF-style: chr8-47776913-C-A. GRCh37 (hg19) VCF-style: chr8-48689474-C-A.
Other names: c.12020G>T, p.Trp4007Leu (NM_001081640.2); short protein forms W4007L, W4038L.
Identifiers: ClinVar variation 2055021 (VCV002055021.1), dbSNP rs373421936, ClinGen allele CA4738903.